The following is an entry in ClinVar:

ClinVar aggregate classification (germline): Uncertain significance. Review status: criteria provided, multiple submitters, no conflicts (2 of 4 stars). 2 submissions from 2 submitters: Uncertain significance (2). Last evaluated 2025-01-12.

Conditions:
Hereditary cancer-predisposing syndrome. Also called: Hereditary Cancer Syndrome; Hereditary neoplastic syndrome; Neoplastic Syndromes, Hereditary; Tumor predisposition. Identifiers: Orphanet 140162, MedGen C0027672, MeSH D009386, MONDO:0015356.
Renal cell carcinoma. Identifiers: Orphanet 217071, MedGen C0007134, MeSH D002292, MONDO:0005086, HP:0005584.

Allele frequency attached by ClinVar (database versions not stated): gnomAD exomes below 0.00001.
gnomAD v4.1: 1 of 1,614,116 alleles (0.000062%); highest among the groups gnomAD compares: Admixed American, 0.0017%; no homozygotes.

Submissions (2):

Ambry Genetics
Classification: Uncertain significance for Hereditary cancer-predisposing syndrome. Last evaluated: 2025-01-12. Review status: criteria provided, single submitter. Criteria: Ambry Variant Classification Scheme 2023. Collection method: clinical testing. Allele origin: germline.
Comment: The p.F596Y variant (also known as c.1787T>A), located in coding exon 5 of the MET gene, results from a T to A substitution at nucleotide position 1787. The phenylalanine at codon 596 is replaced by tyrosine, an amino acid with highly similar properties. This amino acid position is well conserved in available vertebrate species. In addition, the in silico prediction for this alteration is inconclusive. Since supporting evidence is limited at this time, the clinical significance of p.F596Y remains unclear.

Labcorp Genetics (formerly Invitae), Labcorp
Classification: Uncertain significance for Renal cell carcinoma. Last evaluated: 2024-04-22. Review status: criteria provided, single submitter. Criteria: Invitae Variant Classification Sherloc (09022015). Collection method: clinical testing. Allele origin: germline.
Comment: This sequence change replaces phenylalanine, which is neutral and non-polar, with tyrosine, which is neutral and polar, at codon 596 of the MET protein (p.Phe596Tyr). This variant is present in population databases (no rsID available, gnomAD 0.003%). This variant has not been reported in the literature in individuals affected with MET-related conditions. ClinVar contains an entry for this variant (Variation ID: 1449962). Advanced modeling of protein sequence and biophysical properties (such as structural, functional, and spatial information, amino acid conservation, physicochemical variation, residue mobility, and thermodynamic stability) has been performed at Invitae for this missense variant, however the output from this modeling did not meet the statistical confidence thresholds required to predict the impact of this variant on MET protein function. In summary, the available evidence is currently insufficient to determine the role of this variant in disease. Therefore, it has been classified as a Variant of Uncertain Significance.

NM_000245.4(MET):c.1787T>A (p.Phe596Tyr)

Gene: MET (MET proto-oncogene, receptor tyrosine kinase; plus strand). Cytogenetic location: 7q31.2.
Variant type: single nucleotide variant.
Coding change: c.1787T>A on transcript NM_000245.4 (MANE Select); coding-DNA position 1787, T replaced by A.
Protein change: p.Phe596Tyr; replaces phenylalanine 596 with tyrosine.
Molecular consequence: missense variant.
Genome position (GRCh38, 1-based): chr7:116,755,440, T>A. VCF-style: chr7-116755440-T-A. GRCh37 (hg19) VCF-style: chr7-116395494-T-A.
Other names: c.1787T>A, p.Phe596Tyr (NM_001127500.3, NM_001324401.3); c.497T>A, p.Phe166Tyr (NM_001324402.2); short protein forms F166Y, F596Y.
Identifiers: ClinVar variation 1449962 (VCV001449962.11), dbSNP rs1330648228, ClinGen allele CA368977911.